The following is an entry in ClinVar:

NM_012431.3(SEMA3E):c.1745T>C (p.Leu582Ser)

Gene: SEMA3E (semaphorin 3E; minus strand). Cytogenetic location: 7q21.11.
Variant type: single nucleotide variant.
Coding change: c.1745T>C on transcript NM_012431.3 (MANE Select); coding-DNA position 1745, T replaced by C.
Protein change: p.Leu582Ser; replaces leucine 582 with serine.
Molecular consequence: missense variant.
Genome position (GRCh38, 1-based): chr7:83,385,424, A>G on the plus strand (T>C on the coding strand, the complement: SEMA3E is on the minus strand). VCF-style: chr7-83385424-A-G. GRCh37 (hg19) VCF-style: chr7-83014740-A-G.
Other names: c.1565T>C, p.Leu522Ser (NM_001178129.2); short protein forms L522S, L582S.
Identifiers: ClinVar variation 2724740 (VCV002724740.3), dbSNP rs375687801, ClinGen allele CA4321908.

ClinVar aggregate classification (germline): Uncertain significance (1 of 4 stars; one submission).

Conditions:
CHARGE syndrome (CHARGE). Also called: Hittner Hirsch Kreh syndrome; CHARGE ASSOCIATION--COLOBOMA, HEART ANOMALY, CHOANAL ATRESIA, RETARDATION, GENITAL AND EAR ANOMALIES; Coloboma, heart anomaly, choanal atresia, retardation, genital and ear anomalies; CHARGE association; Hall-Hittner syndrome. Identifiers: Orphanet 138, MedGen C0265354, MONDO:0008965.

Allele frequency attached by ClinVar (database versions not stated): gnomAD exomes 0.00001; gnomAD 0.00003; TOPMed 0.00003; ExAC 0.00007; ESP Exome Variant Server 0.00015; 1000 Genomes Project 30x 0.00016; 1000 Genomes Project 0.00020.
gnomAD v4.1: 18 of 1,613,366 alleles (0.0011%); highest among the groups gnomAD compares: South Asian, 0.015%; no homozygotes.

Submission:

Labcorp Genetics (formerly Invitae), Labcorp
Classification: Uncertain significance for CHARGE syndrome. Last evaluated: 2025-10-22. Review status: criteria provided, single submitter. Criteria: Invitae Variant Classification Sherloc (09022015). Collection method: clinical testing. Allele origin: germline.
Comment: This sequence change replaces leucine, which is neutral and non-polar, with serine, which is neutral and polar, at codon 582 of the SEMA3E protein (p.Leu582Ser). This variant is present in population databases (rs375687801, gnomAD 0.03%). This variant has not been reported in the literature in individuals affected with SEMA3E-related conditions. ClinVar contains an entry for this variant (Variation ID: 2724740). An algorithm developed to predict the effect of missense changes on protein structure and function (PolyPhen-2) suggests that this variant is likely to be tolerated. In summary, the available evidence is currently insufficient to determine the role of this variant in disease. Therefore, it has been classified as a Variant of Uncertain Significance.